The following is an entry in ClinVar:

NM_001987.5(ETV6):c.605G>A (p.Arg202Gln)

Gene: ETV6 (ETS variant transcription factor 6; plus strand). Cytogenetic location: 12p13.2.
Variant type: single nucleotide variant.
Coding change: c.605G>A on transcript NM_001987.5 (MANE Select); coding-DNA position 605, G replaced by A.
Protein change: p.Arg202Gln; replaces arginine 202 with glutamine.
Molecular consequence: missense variant.
Genome position (GRCh38, 1-based): chr12:11,869,565, G>A. VCF-style: chr12-11869565-G-A. GRCh37 (hg19) VCF-style: chr12-12022499-G-A.
Other names: short protein forms R202Q.
Identifiers: ClinVar variation 451459 (VCV000451459.14), dbSNP rs200351280, ClinGen allele CA6454298.

ClinVar aggregate classification (germline): Conflicting classifications of pathogenicity. Review status: criteria provided, conflicting classifications (1 of 4 stars). 6 submissions from 6 submitters: Uncertain significance (1); Benign (2); Likely benign (2). 1 of the submissions does not count toward it. Last evaluated 2025-11-03.

Conditions:
Inborn genetic diseases. Identifiers: MedGen C0950123, MeSH D030342.
ETV6-related disorder. Also called: ETV6-related condition.
Thrombocytopenia 5 (THC5). Also called: THROMBOCYTOPENIA 5 WITH INCREASED SUSCEPTIBILITY TO MALIGNANCY; THROMBOCYTOPENIA, AUTOSOMAL DOMINANT, 5. Identifiers: MedGen C4015537, MONDO:0014536, OMIM 616216.

Allele frequency attached by ClinVar (database versions not stated): TOPMed 0.00008; gnomAD 0.00009 and 0.00015.

Submissions (6):

Labcorp Genetics (formerly Invitae), Labcorp
Classification: Likely benign. Last evaluated: 2025-11-03. Review status: criteria provided, single submitter. Criteria: Invitae Variant Classification Sherloc (09022015). Collection method: clinical testing. Allele origin: germline.

Ambry Genetics
Classification: Benign for Inborn genetic diseases. Last evaluated: 2024-12-11. Review status: criteria provided, single submitter. Criteria: Ambry Variant Classification Scheme 2023. Collection method: clinical testing. Allele origin: germline.

Blueprint Genetics
Classification: Likely benign. Last evaluated: 2024-09-05. Review status: criteria provided, single submitter. Criteria: ACMG Guidelines, 2015. Collection method: clinical testing. Allele origin: germline.

GeneDx
Classification: Uncertain significance. Last evaluated: 2022-09-02. Review status: criteria provided, single submitter. Criteria: GeneDx Variant Classification Process June 2021. Collection method: clinical testing. Allele origin: germline. Affected: yes.
Comment: In silico analysis, which includes protein predictors and evolutionary conservation, supports that this variant does not alter protein structure/function; Observed in an individual with pediatric acute lymphoblastic leukemia (Moriyama et al., 2015); This variant is associated with the following publications: (PMID: 26522332)

St. Jude Molecular Pathology, St. Jude Children's Research Hospital
Classification: Benign for Thrombocytopenia 5. Last evaluated: 2021-01-06. Review status: criteria provided, single submitter. Criteria: St. Jude Assertion Criteria 2020. Collection method: clinical testing. Allele origin: germline.
Comment: The ETV6 c.605G>A (p.Arg202Gln) missense change has a maximum subpopulation frequency of 0.082% in gnomAD v2.1.1. This population frequency is higher than expected for a pathogenic variant in ETV6 causing thrombocytopenia and predisposition to leukemia (BS1). Six of seven in silico tools predict a benign effect on the gene or protein function (BP4). Furthermore, functional studies indicate that this variant behaves similar to the wild-type (BS3; PMID: 32693409). It has also been identified in 1 of 4405 pediatric ALL cases and described as a common variant and thus not suspected to be related to disease (PMID: 26522332). In summary, this variant meets criteria to be classified as benign based on the ACMG/AMP criteria: BS1, BS3, BP4.

PreventionGenetics, part of Exact Sciences
Classification: Likely benign for ETV6-related condition. Last evaluated: 2024-04-10. Review status: no assertion criteria provided. Collection method: clinical testing. Allele origin: germline. Not counted in ClinVar's aggregate classification.
Comment: This variant is classified as likely benign based on ACMG/AMP sequence variant interpretation guidelines (Richards et al. 2015 PMID: 25741868, with internal and published modifications).